The following is an entry in ClinVar:

NM_003384.3(VRK1):c.810T>C (p.Tyr270=)

Gene: VRK1 (VRK serine/threonine kinase 1; plus strand). Cytogenetic location: 14q32.2.
Variant type: single nucleotide variant.
Coding change: c.810T>C on transcript NM_003384.3 (MANE Select); coding-DNA position 810, T replaced by C.
Protein change: p.Tyr270=; no amino-acid change (tyrosine 270 retained).
Molecular consequence: synonymous variant.
Genome position (GRCh38, 1-based): chr14:96,856,230, T>C. VCF-style: chr14-96856230-T-C. GRCh37 (hg19) VCF-style: chr14-97322567-T-C.
Other names: c.810T>C (NM_003384.2).
Identifiers: ClinVar variation 1114163 (VCV001114163.11), dbSNP rs943810223, ClinGen allele CA266080344.

ClinVar aggregate classification (germline): Likely benign. Review status: criteria provided, multiple submitters, no conflicts (2 of 4 stars). 2 submissions from 2 submitters: Likely benign (2). Last evaluated 2026-06-09.

Conditions:
VRK1-related disorder. Also called: VRK1-related condition.
Pontocerebellar hypoplasia type 1A (PCH1A). Also called: PONTOCEREBELLAR HYPOPLASIA WITH ANTERIOR HORN CELL DISEASE; PONTOCEREBELLAR HYPOPLASIA WITH INFANTILE SPINAL MUSCULAR ATROPHY. Identifiers: Orphanet 2254, Orphanet 88616, MedGen C1843504, MONDO:0011866, OMIM 607596.

Allele frequency attached by ClinVar (database versions not stated): gnomAD exomes 0.00001; gnomAD 0.00003 and 0.00016; TOPMed 0.00019.
gnomAD v4.1: 35 of 1,613,396 alleles (0.0022%); highest among the groups gnomAD compares: East Asian, 0.0022%; 1 homozygote.

Submissions (2):

PreventionGenetics, part of Exact Sciences
Classification: Likely benign for VRK1-related condition. Last evaluated: 2026-06-09. Review status: criteria provided, single submitter. Criteria: ACMG Guidelines, 2015. Collection method: clinical testing. Allele origin: germline.
Comment: This variant is classified as likely benign based on ACMG/AMP sequence variant interpretation guidelines (Richards et al. 2015 PMID: 25741868, with internal and published modifications).

Labcorp Genetics (formerly Invitae), Labcorp
Classification: Likely benign for Pontocerebellar hypoplasia type 1A. Last evaluated: 2024-03-07. Review status: criteria provided, single submitter. Criteria: Invitae Variant Classification Sherloc (09022015). Collection method: clinical testing. Allele origin: germline.